The following is an entry in ClinVar:

NM_000051.4(ATM):c.4972del (p.Ala1658fs)

Gene: ATM (ATM serine/threonine kinase; plus strand). Cytogenetic location: 11q22.3.
Variant type: Deletion.
Coding change: c.4972del on transcript NM_000051.4 (MANE Select); coding-DNA position 4972, one base deleted (G; older notation c.4972delG).
Protein change: p.Ala1658fs; shifts the reading frame from alanine 1658.
Molecular consequence: frameshift variant.
Genome position (GRCh38, 1-based): chr11:108,297,349, G deleted; the last of 2 consecutive G bases (chr11:108,297,348-108,297,349); deleting either gives the same sequence. VCF-style (leftmost placement, unchanged base first): chr11-108297347-TG-T. GRCh37 (hg19) VCF-style: chr11-108168074-TG-T.
Other names: c.4972del, p.Ala1658fs (NM_001351834.2); short protein forms A1658fs.
Identifiers: ClinVar variation 1744476 (VCV001744476.2), dbSNP rs2546955003, ClinGen allele CA2580083479.
Genomic context (GRCh38, chr11:108,297,347, plus strand): 5'-ATAATCCGCAAGATGGGATTATGGTGAAACTAGTTGTCAATTTGTTGCAGTTATCCAAGA[TG>T]GCAATAAACCACACTGGTGAAAAAGAAGTTCTAGGTAAACTACAGTCATGCGCTGCGTGA-3'

ClinVar aggregate classification (germline): Pathogenic. Review status: criteria provided, multiple submitters, no conflicts (2 of 4 stars). 2 submissions from 2 submitters: Pathogenic (2). Last evaluated 2024-01-25.

Conditions:
Hereditary cancer-predisposing syndrome. Also called: Hereditary Cancer Syndrome; Neoplastic Syndromes, Hereditary; Tumor predisposition; Hereditary neoplastic syndrome. Identifiers: Orphanet 140162, MedGen C0027672, MeSH D009386, MONDO:0015356.
Familial cancer of breast. Also called: BREAST CANCER, FAMILIAL; Hereditary breast cancer; hereditary breast carcinoma. Identifiers: Orphanet 227535, MedGen C0346153, MONDO:0016419, OMIM 114480. Disease mechanism: loss of function.

Submissions (2):

Myriad Genetics, Inc.
Classification: Pathogenic for Familial cancer of breast. Last evaluated: 2024-01-25. Review status: criteria provided, single submitter. Criteria: Myriad Autosomal Dominant, Autosomal Recessive and X-Linked Classification Criteria (2023). Collection method: clinical testing. Allele origin: unknown.
Comment: This variant is considered pathogenic. This variant creates a frameshift predicted to result in premature protein truncation.

Ambry Genetics
Classification: Pathogenic for Hereditary cancer-predisposing syndrome. Last evaluated: 2021-01-20. Review status: criteria provided, single submitter. Criteria: Ambry Variant Classification Scheme 2023. Collection method: clinical testing. Allele origin: germline.
Comment: The c.4972delG pathogenic mutation, located in coding exon 32 of the ATM gene, results from a deletion of one nucleotide at nucleotide position 4972, causing a translational frameshift with a predicted alternate stop codon (p.A1658Qfs*2). This alteration is expected to result in loss of function by premature protein truncation or nonsense-mediated mRNA decay. As such, this alteration is interpreted as a disease-causing mutation.